The following is an entry in ClinVar:

NM_001172509.2(SATB2):c.1795G>A (p.Glu599Lys)

Genes: SATB2 (SATB homeobox 2; minus strand), LOC126806462 (MED14-independent group 3 enhancer GRCh37_chr2:200136608-200137807; plus strand). Cytogenetic location: 2q33.1.
Variant type: single nucleotide variant.
Coding change: c.1795G>A on transcript NM_001172509.2 (MANE Select); coding-DNA position 1795, G replaced by A.
Protein change: p.Glu599Lys; replaces glutamic acid 599 with lysine.
Molecular consequence: missense variant.
Genome position (GRCh38, 1-based): chr2:199,272,618, C>T on the plus strand (G>A on the coding strand, the complement: SATB2 is on the minus strand). VCF-style: chr2-199272618-C-T. GRCh37 (hg19) VCF-style: chr2-200137341-C-T.
Other names: c.1795G>A, p.Glu599Lys (NM_001172517.1, NM_015265.4); short protein forms E599K.
Identifiers: ClinVar variation 2707967 (VCV002707967.3), dbSNP rs2468783739, ClinGen allele CA350385987.

ClinVar aggregate classification (germline): Uncertain significance (1 of 4 stars; one submission).

Conditions:
Chromosome 2q32-q33 deletion syndrome (GLASS). Also called: Glass syndrome; 2q33.1 deletion syndrome. Identifiers: Orphanet 251019, MedGen C2676739, MONDO:0012864, OMIM 612313.

Submission:

Labcorp Genetics (formerly Invitae), Labcorp
Classification: Uncertain significance for Chromosome 2q32-q33 deletion syndrome. Last evaluated: 2024-01-06. Review status: criteria provided, single submitter. Criteria: Invitae Variant Classification Sherloc (09022015). Collection method: clinical testing. Allele origin: germline.
Comment: This sequence change replaces glutamic acid, which is acidic and polar, with lysine, which is basic and polar, at codon 599 of the SATB2 protein (p.Glu599Lys). This variant is not present in population databases (gnomAD no frequency). This variant has not been reported in the literature in individuals affected with SATB2-related conditions. Advanced modeling of protein sequence and biophysical properties (such as structural, functional, and spatial information, amino acid conservation, physicochemical variation, residue mobility, and thermodynamic stability) performed at Invitae indicates that this missense variant is not expected to disrupt SATB2 protein function with a negative predictive value of 80%. In summary, the available evidence is currently insufficient to determine the role of this variant in disease. Therefore, it has been classified as a Variant of Uncertain Significance.